The following is an entry in ClinVar:

ClinVar aggregate classification (germline): Uncertain significance (1 of 4 stars; one submission).

Allele frequency attached by ClinVar (database versions not stated): TOPMed below 0.00001.

Submission:

Labcorp Genetics (formerly Invitae), Labcorp
Classification: Uncertain significance. Last evaluated: 2022-10-17. Review status: criteria provided, single submitter. Criteria: Invitae Variant Classification Sherloc (09022015). Collection method: clinical testing. Allele origin: germline.
Comment: In summary, the available evidence is currently insufficient to determine the role of this variant in disease. Therefore, it has been classified as a Variant of Uncertain Significance. Advanced modeling of protein sequence and biophysical properties (such as structural, functional, and spatial information, amino acid conservation, physicochemical variation, residue mobility, and thermodynamic stability) performed at Invitae indicates that this missense variant is expected to disrupt POLR3A protein function. This variant has not been reported in the literature in individuals affected with POLR3A-related conditions. This variant is not present in population databases (gnomAD no frequency). This sequence change replaces glycine, which is neutral and non-polar, with aspartic acid, which is acidic and polar, at codon 1240 of the POLR3A protein (p.Gly1240Asp).

NM_007055.4(POLR3A):c.3719G>A (p.Gly1240Asp)

Gene: POLR3A (RNA polymerase III subunit A; minus strand). Cytogenetic location: 10q22.3.
Variant type: single nucleotide variant.
Coding change: c.3719G>A on transcript NM_007055.4 (MANE Select); coding-DNA position 3719, G replaced by A.
Protein change: p.Gly1240Asp; replaces glycine 1240 with aspartic acid.
Molecular consequence: missense variant.
Genome position (GRCh38, 1-based): chr10:77,982,194, C>T on the plus strand (G>A on the coding strand, the complement: POLR3A is on the minus strand). VCF-style: chr10-77982194-C-T. GRCh37 (hg19) VCF-style: chr10-79741952-C-T.
Other names: short protein forms G1240D.
Identifiers: ClinVar variation 1975668 (VCV001975668.5), dbSNP rs780134456, ClinGen allele CA377327346.